The following is an entry in ClinVar:

NM_004463.3(FGD1):c.1867G>A (p.Val623Met)

Gene: FGD1 (FYVE, RhoGEF and PH domain containing 1; minus strand). Cytogenetic location: Xp11.22.
Variant type: single nucleotide variant.
Coding change: c.1867G>A on transcript NM_004463.3 (MANE Select); coding-DNA position 1867, G replaced by A.
Protein change: p.Val623Met; replaces valine 623 with methionine.
Molecular consequence: missense variant.
Genome position (GRCh38, 1-based): chrX:54,455,760, C>T on the plus strand (G>A on the coding strand, the complement: FGD1 is on the minus strand). VCF-style: chrX-54455760-C-T. GRCh37 (hg19) VCF-style: chrX-54482193-C-T.
Other names: short protein forms V623M.
Identifiers: ClinVar variation 2190113 (VCV002190113.5), dbSNP rs754355805, ClinGen allele CA10425043.

ClinVar aggregate classification (germline): Uncertain significance. Review status: criteria provided, multiple submitters, no conflicts (2 of 4 stars). 2 submissions from 2 submitters: Uncertain significance (2). Last evaluated 2024-03-27.

Allele frequency attached by ClinVar (database versions not stated): TOPMed 0.00001; ExAC 0.00008.
gnomAD v4.1: 13 of 1,185,925 alleles (0.0011%); highest among the groups gnomAD compares: Admixed American, 0.0047%; no homozygotes.

Submissions (2):

Blueprint Genetics
Classification: Uncertain significance. Last evaluated: 2024-03-27. Review status: criteria provided, single submitter. Criteria: ACMG Guidelines, 2015. Collection method: clinical testing. Allele origin: germline.

Labcorp Genetics (formerly Invitae), Labcorp
Classification: Uncertain significance. Last evaluated: 2022-09-01. Review status: criteria provided, single submitter. Criteria: Invitae Variant Classification Sherloc (09022015). Collection method: clinical testing. Allele origin: germline.
Comment: In summary, the available evidence is currently insufficient to determine the role of this variant in disease. Therefore, it has been classified as a Variant of Uncertain Significance. Algorithms developed to predict the effect of missense changes on protein structure and function are either unavailable or do not agree on the potential impact of this missense change (SIFT: "Deleterious"; PolyPhen-2: "Possibly Damaging"; Align-GVGD: "Class C15"). This variant has not been reported in the literature in individuals affected with FGD1-related conditions. The frequency data for this variant in the population databases is considered unreliable, as metrics indicate poor data quality at this position in the gnomAD database. This sequence change replaces valine, which is neutral and non-polar, with methionine, which is neutral and non-polar, at codon 623 of the FGD1 protein (p.Val623Met).